The following is an entry in ClinVar:

NM_003361.4(UMOD):c.1458C>T (p.Tyr486=)

Gene: UMOD (uromodulin; minus strand). Cytogenetic location: 16p12.3.
Variant type: single nucleotide variant.
Coding change: c.1458C>T on transcript NM_003361.4 (MANE Select); coding-DNA position 1458, C replaced by T.
Protein change: p.Tyr486=; no amino-acid change (tyrosine 486 retained).
Molecular consequence: synonymous variant. On other transcripts: non-coding transcript variant (1).
Genome position (GRCh38, 1-based): chr16:20,341,210, G>A on the plus strand (C>T on the coding strand, the complement: UMOD is on the minus strand). VCF-style: chr16-20341210-G-A. GRCh37 (hg19) VCF-style: chr16-20352532-G-A.
Other names: p.Tyr486=; c.1458C>T, p.Tyr486= (NM_001008389.3, NM_001378232.1, NM_001378233.1); c.1557C>T, p.Tyr519= (NM_001278614.2); c.1599C>T, p.Tyr533= (NM_001378234.1, NM_001378235.1).
Identifiers: ClinVar variation 318288 (VCV000318288.45), dbSNP rs141800038, ClinGen allele CA7939136.

ClinVar aggregate classification (germline): Benign/Likely benign. Review status: criteria provided, multiple submitters, no conflicts (2 of 4 stars). 6 submissions from 6 submitters: Benign (5); Likely benign (1). Last evaluated 2026-01-22.

Conditions:
Kidney disorder. Also called: Kidney disease; Kidney Diseases; renal disorder; Nephropathy; renal disease. Identifiers: MedGen C0022658, MONDO:0005240, HP:0000112.

Allele frequency attached by ClinVar (database versions not stated): 1000 Genomes Project 30x 0.00250; 1000 Genomes Project 0.00260; TOPMed 0.00672; ESP Exome Variant Server 0.00746.

Submissions (6):

Labcorp Genetics (formerly Invitae), Labcorp
Classification: Benign. Last evaluated: 2026-01-22. Review status: criteria provided, single submitter. Criteria: Invitae Variant Classification Sherloc (09022015). Collection method: clinical testing. Allele origin: germline.

CeGaT Center for Human Genetics Tuebingen
Classification: Benign. Last evaluated: 2026-01-01. Review status: criteria provided, single submitter. Criteria: CeGaT Center For Human Genetics Tuebingen Variant Classification Criteria Version 2. Collection method: clinical testing. Allele origin: germline. Affected: yes. Observed: 4 variant alleles.
Comment: UMOD: BP4, BP7, BS1, BS2

Mayo Clinic Laboratories, Mayo Clinic
Classification: Benign. Last evaluated: 2023-05-10. Review status: criteria provided, single submitter. Criteria: ACMG Guidelines, 2015. Collection method: clinical testing. Allele origin: germline. Observed: 9 variant alleles.
Comment: BS1, BS2, BP4

GeneDx
Classification: Likely benign. Last evaluated: 2020-09-22. Review status: criteria provided, single submitter. Criteria: GeneDx Variant Classification Process June 2021. Collection method: clinical testing. Allele origin: germline. Affected: yes.

Genome Diagnostics Laboratory, The Hospital for Sick Children
Classification: Benign for Kidney disorder. Last evaluated: 2018-10-01. Review status: criteria provided, single submitter. Criteria: ACMG Guidelines, 2015. Collection method: clinical testing. Allele origin: germline.

Eurofins Ntd Llc (ga)
Classification: Benign. Last evaluated: 2017-02-10. Review status: criteria provided, single submitter. Criteria: EGL Classification Definitions 2015. Collection method: clinical testing. Allele origin: germline. Observed: 1 variant allele, 1 heterozygote.